The following is an entry in ClinVar:

NM_031471.6(FERMT3):c.1119_1143del (p.Trp373fs)

Gene: FERMT3 (FERM domain containing kindlin 3; plus strand). Cytogenetic location: 11q13.1.
Variant type: Deletion.
Coding change: c.1119_1143del on transcript NM_031471.6 (MANE Select); coding-DNA positions 1119 to 1143, 25 bases deleted (GGTGGTGTTCAAGGAGACCACACTG).
Protein change: p.Trp373fs; shifts the reading frame from tryptophan 373.
Molecular consequence: frameshift variant.
Genome position (GRCh38, 1-based): chr11:64,219,930-64,219,954, GGTGGTGTTCAAGGAGACCACACTG deleted; deleting any 25 consecutive bases within chr11:64,219,924-64,219,954 gives the same sequence; the c. name uses the placement nearest the transcript's 3' end. VCF-style (leftmost placement, unchanged base first): chr11-64219923-AACACTGGGTGGTGTTCAAGGAGACC-A. GRCh37 (hg19) VCF-style: chr11-63987395-AACACTGGGTGGTGTTCAAGGAGACC-A.
Other names: c.1119_1143del, p.Trp373fs (NM_001382361.1, NM_001382448.1); c.1131_1155del, p.Trp377fs (NM_001382362.1, NM_178443.3); c.579_603del, p.Trp193fs (NM_001382363.1); c.591_615del, p.Trp197fs (NM_001382364.1); short protein forms W193fs, W197fs, W373fs, W377fs.
Identifiers: ClinVar variation 5007890 (VCV005007890.2).

ClinVar aggregate classification (germline): Likely pathogenic (1 of 4 stars; one submission).

Conditions:
Leukocyte adhesion deficiency 3. Also called: Leukocyte adhesion deficiency, type III; INTEGRIN ACTIVATION DEFICIENCY DISEASE; LEUKOCYTE ADHESION DEFICIENCY 1 VARIANT. Identifiers: Orphanet 2968, Orphanet 99844, MedGen C2748536, MONDO:0013016, OMIM 612840.

Submission:

Juno Genomics, Hangzhou Juno Genomics, Inc
Classification: Likely pathogenic for Leukocyte adhesion deficiency 3. Review status: criteria provided, single submitter. Criteria: ACMG Guidelines, 2015. Collection method: clinical testing. Allele origin: germline.
Comment: Null variant in a gene where loss of function (LOF) is a known mechanism of disease.;Absent from controls (or at extremely low frequency if recessive) in Genome Aggregation Database.